The following is an entry in ClinVar:

NM_000138.5(FBN1):c.2906del (p.Leu969fs)

Gene: FBN1 (fibrillin 1; minus strand). Cytogenetic location: 15q21.1.
Variant type: Deletion.
Coding change: c.2906del on transcript NM_000138.5 (MANE Select); coding-DNA position 2906, one base deleted (T; older notation c.2906delT).
Protein change: p.Leu969fs; shifts the reading frame from leucine 969.
Molecular consequence: frameshift variant.
Genome position (GRCh38, 1-based): chr15:48,490,027, A deleted on the plus strand (T on the coding strand, the reverse complement: FBN1 is on the minus strand). VCF-style (leftmost placement, unchanged base first): chr15-48490026-CA-C. GRCh37 (hg19) VCF-style: chr15-48782223-CA-C.
Other names: c.2906delT (NM_000138.4); short protein forms L969fs.
Identifiers: ClinVar variation 264427 (VCV000264427.3), dbSNP rs886039154, ClinGen allele CA10587841.

ClinVar aggregate classification (germline): Pathogenic (1 of 4 stars; one submission).

Conditions:
Cardiovascular phenotype. Identifiers: MedGen CN230736.

Submission:

Ambry Genetics
Classification: Pathogenic for Cardiovascular phenotype. Last evaluated: 2015-09-25. Review status: criteria provided, single submitter. Criteria: Ambry Autosomal Dominant and X-Linked criteria (10/2015). Collection method: clinical testing. Allele origin: germline. Observed: 1 variant allele.
Comment: The c.2906delT pathogenic mutation, located in coding exon 24 of the FBN1 gene, results from a deletion of one nucleotide at nucleotide position 2906, causing a translational frameshift with a predicted alternate stop codon (p.L969Rfs<span style="font-family:menlo,monaco,consolas,courier new,monospace; font-size:12.6px">*30). Since frameshifts are typically deleterious in nature, this alteration is interpreted as a disease-causing mutation (ACMG Recommendations for Standards for Interpretation and Reporting of Sequence Variations. Revision 2007. Genet Med. 2008;10:294).